The following is an entry in ClinVar:

NM_020778.5(ALPK3):c.4410+1G>C

Gene: ALPK3 (alpha kinase 3; plus strand). Cytogenetic location: 15q25.3.
Variant type: single nucleotide variant.
Coding change: c.4410+1G>C on transcript NM_020778.5 (MANE Select); the canonical splice donor site of the intron after coding-DNA position 4410, G replaced by C.
Molecular consequence: splice donor variant.
Genome position (GRCh38, 1-based): chr15:84,862,916, G>C. VCF-style: chr15-84862916-G-C. GRCh37 (hg19) VCF-style: chr15-85406147-G-C.
Identifiers: ClinVar variation 3726881 (VCV003726881.2).

ClinVar aggregate classification (germline): Likely pathogenic (1 of 4 stars; one submission).

Submission:

Labcorp Genetics (formerly Invitae), Labcorp
Classification: Likely pathogenic. Last evaluated: 2024-12-08. Review status: criteria provided, single submitter. Criteria: Invitae Variant Classification Sherloc (09022015). Collection method: clinical testing. Allele origin: germline.
Comment: This sequence change affects a donor splice site in intron 10 of the ALPK3 gene. It is expected to disrupt RNA splicing. Variants that disrupt the donor or acceptor splice site typically lead to a loss of protein function (PMID: 16199547), and loss-of-function variants in ALPK3 are known to be pathogenic (PMID: 21441111, 26846950, 27106955, 34263907). This variant is not present in population databases (gnomAD no frequency). This variant has not been reported in the literature in individuals affected with ALPK3-related conditions. Algorithms developed to predict the effect of sequence changes on RNA splicing suggest that this variant may disrupt the consensus splice site. In summary, the currently available evidence indicates that the variant is pathogenic, but additional data are needed to prove that conclusively. Therefore, this variant has been classified as Likely Pathogenic.

Literature cited by the submitters: PubMed 16199547; PubMed 21441111; PubMed 26846950; PubMed 27106955; PubMed 34263907.